The following is an entry in ClinVar:

NM_000352.6(ABCC8):c.2400G>T (p.Met800Ile)

Genes: ABCC8 (ATP binding cassette subfamily C member 8; minus strand), LOC110121471 (VISTA enhancer hs1977; plus strand). Cytogenetic location: 11p15.1.
Variant type: single nucleotide variant.
Coding change: c.2400G>T on transcript NM_000352.6 (MANE Select); coding-DNA position 2400, G replaced by T.
Protein change: p.Met800Ile; replaces methionine 800 with isoleucine.
Molecular consequence: missense variant. On other transcripts: non-coding transcript variant (1).
Genome position (GRCh38, 1-based): chr11:17,413,469, C>A on the plus strand (G>T on the coding strand, the complement: ABCC8 is on the minus strand). VCF-style: chr11-17413469-C-A. GRCh37 (hg19) VCF-style: chr11-17435016-C-A.
Other names: c.2403G>T, p.Met801Ile (NM_001287174.3); c.2466G>T, p.Met822Ile (NM_001351295.2); c.2400G>T, p.Met800Ile (NM_001351296.2); c.2397G>T, p.Met799Ile (NM_001351297.2); short protein forms M800I, M799I, M801I, M822I.
Identifiers: ClinVar variation 2728214 (VCV002728214.3), dbSNP rs2496578776, ClinGen allele CA379808789.

ClinVar aggregate classification (germline): Uncertain significance (1 of 4 stars; one submission).

Allele frequency attached by ClinVar (database versions not stated): gnomAD exomes below 0.00001.

Submission:

Labcorp Genetics (formerly Invitae), Labcorp
Classification: Uncertain significance. Last evaluated: 2025-02-27. Review status: criteria provided, single submitter. Criteria: Invitae Variant Classification Sherloc (09022015). Collection method: clinical testing. Allele origin: germline.
Comment: This sequence change replaces methionine, which is neutral and non-polar, with isoleucine, which is neutral and non-polar, at codon 800 of the ABCC8 protein (p.Met800Ile). This variant is not present in population databases (gnomAD no frequency). This missense change has been observed in individual(s) with ABCC8-related conditions (PMID: 26246406). This variant is also known as M801I. ClinVar contains an entry for this variant (Variation ID: 2728214). Invitae Evidence Modeling of protein sequence and biophysical properties (such as structural, functional, and spatial information, amino acid conservation, physicochemical variation, residue mobility, and thermodynamic stability) indicates that this missense variant is not expected to disrupt ABCC8 protein function with a negative predictive value of 95%. In summary, the available evidence is currently insufficient to determine the role of this variant in disease. Therefore, it has been classified as a Variant of Uncertain Significance.

Literature cited by the submitters: PubMed 26246406.